The following is an entry in ClinVar:

ClinVar aggregate classification (germline): Pathogenic (1 of 4 stars; one submission).

Submission:

Labcorp Genetics (formerly Invitae), Labcorp
Classification: Pathogenic. Last evaluated: 2023-11-24. Review status: criteria provided, single submitter. Criteria: Invitae Variant Classification Sherloc (09022015). Collection method: clinical testing. Allele origin: germline.
Comment: This sequence change creates a premature translational stop signal (p.Gln405Hisfs*2) in the ADAMTSL4 gene. It is expected to result in an absent or disrupted protein product. Loss-of-function variants in ADAMTSL4 are known to be pathogenic (PMID: 20564469, 28642162). This variant is present in population databases (no rsID available, gnomAD 0.007%). This variant has not been reported in the literature in individuals affected with ADAMTSL4-related conditions. For these reasons, this variant has been classified as Pathogenic.

Literature cited by the submitters: PubMed 20564469; PubMed 28642162.

NM_019032.6(ADAMTSL4):c.1215_1228del (p.Gln405fs)

Genes: ADAMTSL4 (ADAMTS like 4; plus strand), ADAMTSL4-AS2 (ADAMTSL4 antisense RNA 2; minus strand). Cytogenetic location: 1q21.2.
Variant type: Deletion.
Coding change: c.1215_1228del on transcript NM_019032.6 (MANE Select); coding-DNA positions 1215 to 1228, 14 bases deleted (GTGGGAGCCCTTCA).
Protein change: p.Gln405fs; shifts the reading frame from glutamine 405.
Molecular consequence: frameshift variant.
Genome position (GRCh38, 1-based): chr1:150,554,448-150,554,461, GTGGGAGCCCTTCA deleted; deleting any 14 consecutive bases within chr1:150,554,445-150,554,461 gives the same sequence; the c. name uses the placement nearest the transcript's 3' end. VCF-style (leftmost placement, unchanged base first): chr1-150554444-ATCAGTGGGAGCCCT-A. GRCh37 (hg19) VCF-style: chr1-150526920-ATCAGTGGGAGCCCT-A.
Other names: c.1215_1228del, p.Gln405fs (NM_001288607.2, NM_001288608.2, NM_001378596.1 and 1 more transcripts); short protein forms Q405fs.
Identifiers: ClinVar variation 2776380 (VCV002776380.3), dbSNP rs1336513210, ClinGen allele CA526261012.